The following is an entry in ClinVar:

ClinVar aggregate classification (germline): Conflicting classifications of pathogenicity. Review status: criteria provided, conflicting classifications (1 of 4 stars). 4 submissions from 4 submitters: Uncertain significance (3); Likely benign (1). Last evaluated 2025-08-08.

Conditions:
Inborn genetic diseases. Identifiers: MedGen C0950123, MeSH D030342.
PKD1-related disorder. Also called: PKD1-related condition.
Polycystic kidney disease, adult type (PKD1). Also called: Polycystic Kidney, Autosomal Dominant; Polycystic Kidney Disease 1, Autosomal Dominant; Polycystic kidney disease 1; Polycystic kidney disease 1, severe; POLYCYSTIC KIDNEY DISEASE 1 WITH OR WITHOUT POLYCYSTIC LIVER DISEASE; POLYCYSTIC KIDNEY DISEASE, ADULT, TYPE I. Identifiers: MedGen C3149841, MONDO:0008263, OMIM 173900.

Allele frequency attached by ClinVar (database versions not stated): gnomAD exomes 0.00001 and 0.00002; ExAC 0.00003; ESP Exome Variant Server 0.00008; gnomAD 0.00014; TOPMed 0.00019; 1000 Genomes Project 0.00040; 1000 Genomes Project 30x 0.00047.
gnomAD v4.1: 40 of 1,609,256 alleles (0.0025%); highest among the groups gnomAD compares: Admixed American, 0.038%; 1 homozygote.

Submissions (4):

PreventionGenetics, part of Exact Sciences
Classification: Uncertain significance for PKD1-related condition. Last evaluated: 2025-08-08. Review status: criteria provided, single submitter. Criteria: ACMG Guidelines, 2015. Collection method: clinical testing. Allele origin: germline.
Comment: The PKD1 c.5032G>A variant is predicted to result in the amino acid substitution p.Gly1678Ser. To our knowledge, this variant has not been reported in the literature. This variant is reported in 0.0086% of alleles in individuals of Latino descent in gnomAD. At this time, the clinical significance of this variant is uncertain due to the absence of conclusive functional and genetic evidence.

Ambry Genetics
Classification: Uncertain significance for Inborn genetic diseases. Last evaluated: 2025-08-03. Review status: criteria provided, single submitter. Criteria: Ambry Variant Classification Scheme 2023. Collection method: clinical testing. Allele origin: germline.

Fulgent Genetics
Classification: Likely benign for Polycystic kidney disease, adult type. Last evaluated: 2024-01-03. Review status: criteria provided, single submitter. Criteria: ACMG Guidelines, 2015. Collection method: clinical testing. Allele origin: germline.

ARUP Laboratories, Molecular Genetics and Genomics, ARUP Laboratories
Classification: Uncertain significance for Polycystic kidney disease, adult type. Last evaluated: 2020-04-01. Review status: criteria provided, single submitter. Criteria: ARUP Molecular Germline Variant Investigation Process. Collection method: clinical testing. Allele origin: germline.
Comment: The PKD1 c.5032G>A; p.Gly1678Ser variant (rs146527465), to our knowledge, is not reported in the medical literature but is reported in the ADPKD mutation database (see link). This variant is found in the general population with an overall allele frequency of 0.0029% (8/271824 alleles) in the Genome Aggregation Database. The glycine at codon 1678 is weakly conserved, and computational analyses (SIFT, PolyPhen-2) predict that this variant is tolerated. Due to limited information, the clinical significance of the p.Gly1678Ser variant is uncertain at this time. References: Link to ADPKD mutation database

NM_001009944.3(PKD1):c.5032G>A (p.Gly1678Ser)

Gene: PKD1 (polycystin 1, transient receptor potential channel interacting; minus strand). Cytogenetic location: 16p13.3.
Variant type: single nucleotide variant.
Coding change: c.5032G>A on transcript NM_001009944.3 (MANE Select); coding-DNA position 5032, G replaced by A.
Protein change: p.Gly1678Ser; replaces glycine 1678 with serine.
Molecular consequence: missense variant.
Genome position (GRCh38, 1-based): chr16:2,110,135, C>T on the plus strand (G>A on the coding strand, the complement: PKD1 is on the minus strand). VCF-style: chr16-2110135-C-T. GRCh37 (hg19) VCF-style: chr16-2160136-C-T.
Other names: c.5032G>A (NM_000296.3, NM_001009944.2); c.5032G>A, p.Gly1678Ser (NM_000296.4); short protein forms G1678S.
Identifiers: ClinVar variation 995649 (VCV000995649.14), dbSNP rs146527465, ClinGen allele CA7832152.
Genomic context (GRCh38, chr16:2,110,135, plus strand): 5'-GCAGCTGCACATGGTAGGTGCCGGCCTCGAGCACGGTGAGCGAGAAGCCTTTGCCGCTGC[C>T]GGCCAGGGCCGGGCCCCTGTCCCTCCAGGCAGTCCAGCTGTAGGAGACGTTGGTGCCATC-3'
Protein context (NP_001009944.3, residues 1668-1688): AWRDRGPALA[Gly1678Ser]SGKGFSLTVL